The following is an entry in ClinVar:

ClinVar aggregate classification (germline): Uncertain significance (1 of 4 stars; one submission).

Conditions:
Frasier syndrome. Identifiers: Orphanet 347, MedGen C0950122, MeSH D052159, MONDO:0007635, OMIM 136680.
Wilms tumor 1 (WT1). Also called: Wilms tumor, somatic. Identifiers: Orphanet 654, MedGen CN033288, MONDO:0008679, OMIM 194070.
11p partial monosomy syndrome (WAGR). Also called: CHROMOSOME 11p13 DELETION SYNDROME; WAGR syndrome; WAGR Spectrum Disorder; WAGR Complex. Identifiers: Orphanet 893, MedGen C0206115, MONDO:0008681, OMIM 194072.
Drash syndrome (DDS). Also called: WILMS TUMOR AND PSEUDO- OR TRUE HERMAPHRODITISM; NEPHROPATHY, WILMS TUMOR, AND GENITAL ANOMALIES. Identifiers: Orphanet 220, MedGen C0950121, MONDO:0008682, OMIM 194080.

Submission:

Labcorp Genetics (formerly Invitae), Labcorp
Classification: Uncertain significance for Wilms tumor 1; Drash syndrome; 11p partial monosomy syndrome; Frasier syndrome. Last evaluated: 2022-09-07. Review status: criteria provided, single submitter. Criteria: Invitae Variant Classification Sherloc (09022015). Collection method: clinical testing. Allele origin: germline.
Comment: In summary, the available evidence is currently insufficient to determine the role of this variant in disease. Therefore, it has been classified as a Variant of Uncertain Significance. Algorithms developed to predict the effect of missense changes on protein structure and function (SIFT, PolyPhen-2, Align-GVGD) all suggest that this variant is likely to be disruptive. This variant has not been reported in the literature in individuals affected with WT1-related conditions. This variant is not present in population databases (gnomAD no frequency). This sequence change replaces tyrosine, which is neutral and polar, with histidine, which is basic and polar, at codon 402 of the WT1 protein (p.Tyr402His).

NM_024426.6(WT1):c.1219T>C (p.Tyr407His)

Gene: WT1 (WT1 transcription factor; minus strand). Cytogenetic location: 11p13.
Variant type: single nucleotide variant.
Coding change: c.1219T>C on transcript NM_024426.6 (MANE Select); coding-DNA position 1219, T replaced by C.
Protein change: p.Tyr407His; replaces tyrosine 407 with histidine.
Molecular consequence: missense variant. On other transcripts: non-coding transcript variant (1).
Genome position (GRCh38, 1-based): chr11:32,396,302, A>G on the plus strand (T>C on the coding strand, the complement: WT1 is on the minus strand). VCF-style: chr11-32396302-A-G. GRCh37 (hg19) VCF-style: chr11-32417848-A-G.
Other names: c.1168T>C, p.Tyr390His (NM_000378.6, NM_001407045.1, NM_001407048.1 and 1 more transcripts); c.568T>C, p.Tyr190His (NM_001198551.2); c.517T>C, p.Tyr173His (NM_001198552.2); c.31T>C, p.Tyr11His (NM_001367854.1); c.1213T>C, p.Tyr405His (NM_001407044.1); c.1219T>C, p.Tyr407His (NM_001407046.1, NM_024424.5); c.1096T>C, p.Tyr366His (NM_001407047.1); c.1045T>C, p.Tyr349His (NM_001407050.1); and 2 more; short protein forms Y385H, Y407H, Y153H, Y349H, Y366H, Y405H, Y190H, Y390H.
Identifiers: ClinVar variation 2145153 (VCV002145153.4), dbSNP rs2132939856, ClinGen allele CA379959868.